The following is an entry in ClinVar:

ClinVar aggregate classification (germline): Uncertain significance (1 of 4 stars; one submission).

Allele frequency attached by ClinVar (database versions not stated): ExAC 0.00001; gnomAD exomes 0.00001; gnomAD 0.00002.
gnomAD v4.1: 11 of 1,611,756 alleles (0.00068%); highest among the groups gnomAD compares: African/African-American, 0.0013%; no homozygotes.

Submission:

CeGaT Center for Human Genetics Tuebingen
Classification: Uncertain significance. Last evaluated: 2023-05-01. Review status: criteria provided, single submitter. Criteria: CeGaT Center For Human Genetics Tuebingen Variant Classification Criteria Version 2. Collection method: clinical testing. Allele origin: germline. Affected: yes. Observed: 1 variant allele.
Comment: PLEC: PM2, BP4

NM_201384.3(PLEC):c.7396G>A (p.Ala2466Thr)

Gene: PLEC (plectin; minus strand). Cytogenetic location: 8q24.3.
Variant type: single nucleotide variant.
Coding change: c.7396G>A on transcript NM_201384.3 (MANE Select); coding-DNA position 7396, G replaced by A.
Protein change: p.Ala2466Thr; replaces alanine 2466 with threonine.
Molecular consequence: missense variant. On other transcripts: intron variant (1).
Genome position (GRCh38, 1-based): chr8:143,922,533, C>T on the plus strand (G>A on the coding strand, the complement: PLEC is on the minus strand). VCF-style: chr8-143922533-C-T. GRCh37 (hg19) VCF-style: chr8-144996701-C-T.
Other names: c.7477G>A, p.Ala2493Thr (NM_000445.5); c.7354G>A, p.Ala2452Thr (NM_201378.4); c.7330G>A, p.Ala2444Thr (NM_201379.3); c.7807G>A, p.Ala2603Thr (NM_201380.4); c.7300G>A, p.Ala2434Thr (NM_201381.3); c.7396G>A, p.Ala2466Thr (NM_201382.4); c.7408G>A, p.Ala2470Thr (NM_201383.3); c.4126-138G>A (NM_001410941.1); short protein forms A2434T, A2444T, A2452T, A2466T, A2470T, A2493T, A2603T.
Identifiers: ClinVar variation 2571323 (VCV002571323.27), dbSNP rs781980817, ClinGen allele CA4925664.